The following is an entry in ClinVar:

ClinVar aggregate classification (germline): Uncertain significance. Review status: criteria provided, multiple submitters, no conflicts (2 of 4 stars). 2 submissions from 2 submitters: Uncertain significance (2). Last evaluated 2026-04-17.

Conditions:
Phenylketonuria (PKU). Also called: FOLLING DISEASE; Phenylketonurias; Phenylketonuria (PKU); OLIGOPHRENIA PHENYLPYRUVICA. Identifiers: Orphanet 716, MedGen C0031485, MONDO:0009861, OMIM 261600. Disease mechanism: loss of function.

Submissions (2):

GeneDx
Classification: Uncertain significance. Last evaluated: 2026-04-17. Review status: criteria provided, single submitter. Criteria: GeneDx Variant Classification Process June 2021. Collection method: clinical testing. Allele origin: germline.
Comment: Not observed at significant frequency in large population cohorts (gnomAD); In silico analysis supports that this missense variant has a deleterious effect on protein structure/function; Has not been previously published as pathogenic or benign to our knowledge

Labcorp Genetics (formerly Invitae), Labcorp
Classification: Uncertain significance for Phenylketonuria. Last evaluated: 2020-07-09. Review status: criteria provided, single submitter. Criteria: Invitae Variant Classification Sherloc (09022015). Collection method: clinical testing. Allele origin: germline.
Comment: This sequence change replaces serine with cysteine at codon 67 of the PAH protein (p.Ser67Cys). The serine residue is highly conserved and there is a moderate physicochemical difference between serine and cysteine. This variant is not present in population databases (ExAC no frequency). This variant has not been reported in the literature in individuals with PAH-related conditions. Algorithms developed to predict the effect of missense changes on protein structure and function are either unavailable or do not agree on the potential impact of this missense change (SIFT: "Not Available"; PolyPhen-2: "Probably Damaging"; Align-GVGD: "Not Available"). In summary, the available evidence is currently insufficient to determine the role of this variant in disease. Therefore, it has been classified as a Variant of Uncertain Significance.

NM_000277.3(PAH):c.200C>G (p.Ser67Cys)

Gene: PAH (phenylalanine hydroxylase; minus strand). Cytogenetic location: 12q23.2.
Variant type: single nucleotide variant.
Coding change: c.200C>G on transcript NM_000277.3 (MANE Select); coding-DNA position 200, C replaced by G.
Protein change: p.Ser67Cys; replaces serine 67 with cysteine.
Molecular consequence: missense variant.
Genome position (GRCh38, 1-based): chr12:102,894,887, G>C on the plus strand (C>G on the coding strand, the complement: PAH is on the minus strand). VCF-style: chr12-102894887-G-C. GRCh37 (hg19) VCF-style: chr12-103288665-G-C.
Other names: c.200C>G, p.Ser67Cys (NM_001354304.2); c.200C>G (NM_000277.1); short protein forms S67C.
Identifiers: ClinVar variation 1056831 (VCV001056831.8), dbSNP rs2136702072, ClinGen allele CA386304219.